The following is an entry in ClinVar:

NM_001267550.2(TTN):c.20185A>G (p.Asn6729Asp)

Genes: TTN (titin; minus strand), LOC126806429 (BRD4-independent group 4 enhancer GRCh37_chr2:179591393-179592592; plus strand). Cytogenetic location: 2q31.2.
Variant type: single nucleotide variant.
Coding change: c.20185A>G on transcript NM_001267550.2 (MANE Select); coding-DNA position 20185, A replaced by G.
Protein change: p.Asn6729Asp; replaces asparagine 6729 with aspartic acid.
Molecular consequence: missense variant. On other transcripts: intron variant (3).
Genome position (GRCh38, 1-based): chr2:178,727,180, T>C on the plus strand (A>G on the coding strand, the complement: TTN is on the minus strand). VCF-style: chr2-178727180-T-C. GRCh37 (hg19) VCF-style: chr2-179591907-T-C.
Other names: c.19234A>G, p.Asn6412Asp (NM_001256850.1); c.16453A>G, p.Asn5485Asp (NM_133378.4); c.13282+10902A>G (NM_003319.4); c.13858+10902A>G (NM_133437.4); c.13657+10902A>G (NM_133432.3); short protein forms N6729D, N5485D, N6412D.
Identifiers: ClinVar variation 535195 (VCV000535195.4), dbSNP rs794729619, ClinGen allele CA349548654.

ClinVar aggregate classification (germline): Conflicting classifications of pathogenicity. Review status: criteria provided, conflicting classifications (1 of 4 stars). 2 submissions from 2 submitters: Uncertain significance (1); Likely benign (1). Last evaluated 2026-09-21.

Conditions:
Dilated cardiomyopathy 1G (CMD1G). Identifiers: Orphanet 154, MedGen C1858763, MONDO:0011400, OMIM 604145.
Autosomal recessive limb-girdle muscular dystrophy type 2J (LGMDR10). Also called: Limb-girdle muscular dystrophy, type 2J; MUSCULAR DYSTROPHY, LIMB-GIRDLE, AUTOSOMAL RECESSIVE 10. Identifiers: Orphanet 140922, MedGen C1837342, MONDO:0012127, OMIM 608807.

Allele frequency attached by ClinVar (database versions not stated): gnomAD exomes below 0.00001.
gnomAD v4.1: 3 of 1,613,154 alleles (0.00019%); highest among the groups gnomAD compares: Admixed American, 0.005%; no homozygotes.

Submissions (2):

Molecular Diagnostic Laboratory for Inherited Cardiovascular Disease, Montreal Heart Institute
Classification: Likely benign. Last evaluated: 2026-09-21. Review status: criteria provided, single submitter. Criteria: ACMG Guidelines, 2015. Collection method: clinical testing. Allele origin: germline. Affected: no.
Comment: BP1;BP4

Labcorp Genetics (formerly Invitae), Labcorp
Classification: Uncertain significance for Dilated cardiomyopathy 1G; Autosomal recessive limb-girdle muscular dystrophy type 2J. Last evaluated: 2017-12-01. Review status: criteria provided, single submitter. Criteria: Invitae Variant Classification Sherloc (09022015). Collection method: clinical testing. Allele origin: germline.